The following is an entry in ClinVar:

NM_000090.4(COL3A1):c.1612A>G (p.Met538Val)

Gene: COL3A1 (collagen type III alpha 1 chain; plus strand). Cytogenetic location: 2q32.2.
Variant type: single nucleotide variant.
Coding change: c.1612A>G on transcript NM_000090.4 (MANE Select); coding-DNA position 1612, A replaced by G.
Protein change: p.Met538Val; replaces methionine 538 with valine.
Molecular consequence: missense variant.
Genome position (GRCh38, 1-based): chr2:188,996,128, A>G. VCF-style: chr2-188996128-A-G. GRCh37 (hg19) VCF-style: chr2-189860854-A-G.
Other names: short protein forms M538V.
Identifiers: ClinVar variation 1331920 (VCV001331920.3), dbSNP rs2153502614, ClinGen allele CA349852356.
Genomic context (GRCh38, chr2:188,996,128, plus strand): 5'-TAGTAATTTTTTATTATTTCATTTTAAATCACCTAACAACTGACTTCTTTACTTCAGGGC[A>G]TGCCCGGAAGTCCAGGAGGACCAGGAAGTGATGGGAAACCAGGGCCTCCCGTATGTACAT-3'
Protein context (NP_000081.2, residues 528-548): GVPGGPGMRG[Met538Val]PGSPGGPGSD

ClinVar aggregate classification (germline): Uncertain significance (1 of 4 stars; one submission).

Conditions:
Familial thoracic aortic aneurysm and aortic dissection (TAAD). Also called: Thoracic aortic aneurysms and dissections. Identifiers: Orphanet 91387, MedGen C4707243, MONDO:0019625.

Submission:

Color Diagnostics, LLC DBA Color Health
Classification: Uncertain significance for Familial thoracic aortic aneurysm and aortic dissection. Last evaluated: 2024-03-06. Review status: criteria provided, single submitter. Criteria: ACMG Guidelines, 2015. Collection method: clinical testing. Allele origin: germline.
Comment: This missense variant replaces methionine with valine at codon 538 of the COL3A1 protein. Computational prediction suggests that this variant may not impact protein structure and function (internally defined REVEL score threshold <= 0.5, PMID: 27666373). To our knowledge, functional studies have not been reported for this variant. This variant has not been reported in individuals affected with cardiovascular disorders in the literature. This variant has not been identified in the general population by the Genome Aggregation Database (gnomAD). The available evidence is insufficient to determine the role of this variant in disease conclusively. Therefore, this variant is classified as a Variant of Uncertain Significance.